The following is an entry in ClinVar:

ClinVar aggregate classification (germline): Likely benign (1 of 4 stars; one submission).

Submission:

CeGaT Center for Human Genetics Tuebingen
Classification: Likely benign. Last evaluated: 2026-08-01. Review status: criteria provided, single submitter. Criteria: CeGaT Center For Human Genetics Tuebingen Variant Classification Criteria Version 2. Collection method: clinical testing. Allele origin: germline. Affected: yes. Observed: 1 variant allele.
Comment: ALDH18A1: PM2:Supporting, BP4, BP7

NM_002860.4(ALDH18A1):c.621T>C (p.Leu207=)

Gene: ALDH18A1 (aldehyde dehydrogenase 18 family member A1; minus strand). Cytogenetic location: 10q24.1.
Variant type: single nucleotide variant.
Coding change: c.621T>C on transcript NM_002860.4 (MANE Select); coding-DNA position 621, T replaced by C.
Protein change: p.Leu207=; no amino-acid change (leucine 207 retained).
Molecular consequence: synonymous variant. On other transcripts: 5 prime UTR variant (1).
Genome position (GRCh38, 1-based): chr10:95,633,587, A>G on the plus strand (T>C on the coding strand, the complement: ALDH18A1 is on the minus strand). VCF-style: chr10-95633587-A-G. GRCh37 (hg19) VCF-style: chr10-97393344-A-G.
Other names: c.621T>C, p.Leu207= (NM_001017423.2, NM_001323413.2, NM_001323414.2 and 1 more transcripts); c.288T>C, p.Leu96= (NM_001323412.2, NM_001323416.2, NM_001323418.2); c.516T>C, p.Leu172= (NM_001323417.2); c.-16T>C (NM_001323419.2).
Identifiers: ClinVar variation 5040743 (VCV005040743.1).